The following is an entry in ClinVar:

NM_002834.5(PTPN11):c.879C>G (p.His293Gln)

Gene: PTPN11 (protein tyrosine phosphatase non-receptor type 11; plus strand). Cytogenetic location: 12q24.13.
Variant type: single nucleotide variant.
Coding change: c.879C>G on transcript NM_002834.5 (MANE Select); coding-DNA position 879, C replaced by G.
Protein change: p.His293Gln; replaces histidine 293 with glutamine.
Molecular consequence: missense variant.
Genome position (GRCh38, 1-based): chr12:112,477,676, C>G. VCF-style: chr12-112477676-C-G. GRCh37 (hg19) VCF-style: chr12-112915480-C-G.
Other names: c.879C>G, p.His293Gln (NM_001330437.2, NM_080601.3); c.876C>G, p.His292Gln (NM_001374625.1); short protein forms H293Q, H292Q.
Identifiers: ClinVar variation 280250 (VCV000280250.17), dbSNP rs117730996, ClinGen allele CA6798673.

ClinVar aggregate classification (germline): Conflicting classifications of pathogenicity. Review status: criteria provided, conflicting classifications (1 of 4 stars). 4 submissions from 4 submitters: Uncertain significance (3); Likely benign (1). Last evaluated 2023-12-24.

Conditions:
RASopathy. Also called: Noonan spectrum disorder; rasopathies. Identifiers: Orphanet 536391, MedGen C5555857, MONDO:0021060.
Noonan syndrome and Noonan-related syndrome. Identifiers: Orphanet 98733, MedGen C5681679, MONDO:0020297.
Intellectual disability. Also called: Intellectual functioning disability; intellectual disabilities; Intellectual developmental disorder. Identifiers: MedGen C3714756, MeSH D008607, MONDO:0001071, HP:0001249.

Allele frequency attached by ClinVar (database versions not stated): TOPMed 0.00001; 1000 Genomes Project 0.00020; 1000 Genomes Project 30x 0.00016.
gnomAD v4.1: 43 of 1,612,894 alleles (0.0027%); highest among the groups gnomAD compares: Non-Finnish European, 0.0036%; no homozygotes.

Submissions (4):

Labcorp Genetics (formerly Invitae), Labcorp
Classification: Uncertain significance for RASopathy. Last evaluated: 2023-12-24. Review status: criteria provided, single submitter. Criteria: Invitae Variant Classification Sherloc (09022015). Collection method: clinical testing. Allele origin: germline.
Comment: This sequence change replaces histidine, which is basic and polar, with glutamine, which is neutral and polar, at codon 293 of the PTPN11 protein (p.His293Gln). This variant is not present in population databases (gnomAD no frequency). This variant has not been reported in the literature in individuals affected with PTPN11-related conditions. ClinVar contains an entry for this variant (Variation ID: 280250). Advanced modeling of protein sequence and biophysical properties (such as structural, functional, and spatial information, amino acid conservation, physicochemical variation, residue mobility, and thermodynamic stability) performed at Invitae indicates that this missense variant is not expected to disrupt PTPN11 protein function with a negative predictive value of 95%. In summary, the available evidence is currently insufficient to determine the role of this variant in disease. Therefore, it has been classified as a Variant of Uncertain Significance.

Genome Diagnostics Laboratory, The Hospital for Sick Children
Classification: Uncertain significance for Noonan syndrome and Noonan-related syndrome. Last evaluated: 2021-01-14. Review status: criteria provided, single submitter. Criteria: ACMG Guidelines, 2015. Collection method: clinical testing. Allele origin: germline.

Cambridge Genomics Laboratory, East Genomic Laboratory Hub, NHS Genomic Medicine Service
Classification: Likely benign for Intellectual disability. Last evaluated: 2019-06-28. Review status: criteria provided, single submitter. Criteria: ACGS Best Practice Guidelines for Variant Classification in Rare Disease 2020. Collection method: clinical testing. Allele origin: germline. Affected: yes. Observed: 1 variant allele.

GeneDx
Classification: Uncertain significance. Last evaluated: 2016-01-08. Review status: criteria provided, single submitter. Criteria: GeneDx Variant Classification (06012015). Collection method: clinical testing. Allele origin: germline. Affected: yes.
Comment: The H293Q variant has not been published as a pathogenic variant, nor has it been reported as a benign variant to our knowledge. The 1000 Genomes Project Consortium reports H293Q was observed in 1 of 1006 alleles from individuals of European background, indicating it may be a rare variant in this population. The H293Q variant is a semi-conservative amino acid substitution, which may impact secondary protein structure as these residues differ in some properties. This substitution occurs at a position that is conserved in mammals, yet in silico analysis predicts this variant likely does not alter the protein structure/function. Therefore, based on the currently available information, it is unclear whether H293Q is a pathogenic variant or a rare benign variant.